The following is an entry in ClinVar:

NM_001032386.2(SUOX):c.1093G>A (p.Val365Met)

Gene: SUOX (sulfite oxidase; plus strand). Cytogenetic location: 12q13.2.
Variant type: single nucleotide variant.
Coding change: c.1093G>A on transcript NM_001032386.2 (MANE Select); coding-DNA position 1093, G replaced by A.
Protein change: p.Val365Met; replaces valine 365 with methionine.
Molecular consequence: missense variant.
Genome position (GRCh38, 1-based): chr12:56,004,482, G>A. VCF-style: chr12-56004482-G-A. GRCh37 (hg19) VCF-style: chr12-56398266-G-A.
Other names: c.1093G>A, p.Val365Met (NM_000456.3, NM_001032387.2); short protein forms V365M.
Identifiers: ClinVar variation 1021702 (VCV001021702.7), dbSNP rs1890662683, ClinGen allele CA385290986.

ClinVar aggregate classification (germline): Uncertain significance (1 of 4 stars; one submission).

Conditions:
Sulfite oxidase deficiency. Also called: Isolated sulfite oxidase deficiency. Identifiers: Orphanet 833, Orphanet 99731, MedGen C0268624, MONDO:0010089, OMIM 272300, HP:0003643.

Submission:

Labcorp Genetics (formerly Invitae), Labcorp
Classification: Uncertain significance for Sulfite oxidase deficiency. Last evaluated: 2021-08-28. Review status: criteria provided, single submitter. Criteria: Invitae Variant Classification Sherloc (09022015). Collection method: clinical testing. Allele origin: germline.
Comment: This sequence change replaces valine with methionine at codon 365 of the SUOX protein (p.Val365Met). The valine residue is moderately conserved and there is a small physicochemical difference between valine and methionine. This variant is not present in population databases (ExAC no frequency). This variant has not been reported in the literature in individuals affected with SUOX-related conditions. Algorithms developed to predict the effect of missense changes on protein structure and function are either unavailable or do not agree on the potential impact of this missense change (SIFT: "Deleterious"; PolyPhen-2: "Probably Damaging"; Align-GVGD: "Class C0"). In summary, the available evidence is currently insufficient to determine the role of this variant in disease. Therefore, it has been classified as a Variant of Uncertain Significance.